The following is an entry in ClinVar:

NM_152384.3(BBS5):c.413G>C (p.Arg138Pro)

Gene: BBS5 (Bardet-Biedl syndrome 5; plus strand). Cytogenetic location: 2q31.1.
Variant type: single nucleotide variant.
Coding change: c.413G>C on transcript NM_152384.3 (MANE Select); coding-DNA position 413, G replaced by C.
Protein change: p.Arg138Pro; replaces arginine 138 with proline.
Molecular consequence: missense variant.
Genome position (GRCh38, 1-based): chr2:169,492,900, G>C. VCF-style: chr2-169492900-G-C. GRCh37 (hg19) VCF-style: chr2-170349410-G-C.
Other names: c.413G>C (NM_152384.2); short protein forms R138P.
Identifiers: ClinVar variation 2028830 (VCV002028830.5), dbSNP rs179363897, ClinGen allele CA349164656.

ClinVar aggregate classification (germline): Conflicting classifications of pathogenicity. Review status: criteria provided, conflicting classifications (1 of 4 stars). 2 submissions from 2 submitters: Likely pathogenic (1); Uncertain significance (1). Last evaluated 2025-03-28.

Conditions:
BBS5-related disorder. Also called: BBS5-related condition.
Bardet-Biedl syndrome (BBS). Identifiers: Orphanet 110, MedGen C0752166, MONDO:0015229.

Submissions (2):

PreventionGenetics, part of Exact Sciences
Classification: Likely pathogenic for BBS5-related condition. Last evaluated: 2025-03-28. Review status: criteria provided, single submitter. Criteria: ACMG Guidelines, 2015. Collection method: clinical testing. Allele origin: germline.
Comment: The BBS5 c.413G>C variant is predicted to result in the amino acid substitution p.Arg138Pro. This variant has been reported in the homozygous state in an individual with Bardet-Biedl syndrome (Koscinski et al. 2020. PubMed ID: 32835378). This variant has not been reported in a large population database, indicating it is rare. Of note, different missense variants impacting this same residue (p.Arg138His and p.Arg138Cys) have been reported in a patient with Bardet-Biedl syndrome (Sathya Priya et al. 2015. PubMed ID: 24400638) and a patient with cone rod dystrophy (Table S2, Carss et al. 2017. PubMed ID: 28041643), respectively. This variant is interpreted as likely pathogenic.

Labcorp Genetics (formerly Invitae), Labcorp
Classification: Uncertain significance for Bardet-Biedl syndrome. Last evaluated: 2022-09-03. Review status: criteria provided, single submitter. Criteria: Invitae Variant Classification Sherloc (09022015). Collection method: clinical testing. Allele origin: germline.
Comment: This variant disrupts the p.Arg138 amino acid residue in BBS5. Other variant(s) that disrupt this residue have been determined to be pathogenic (PMID: 24400638, 28041643; Invitae). This suggests that this residue is clinically significant, and that variants that disrupt this residue are likely to be disease-causing. In summary, the available evidence is currently insufficient to determine the role of this variant in disease. Therefore, it has been classified as a Variant of Uncertain Significance. Algorithms developed to predict the effect of missense changes on protein structure and function (SIFT, PolyPhen-2, Align-GVGD) all suggest that this variant is likely to be disruptive. This variant has not been reported in the literature in individuals affected with BBS5-related conditions. This variant is not present in population databases (gnomAD no frequency). This sequence change replaces arginine, which is basic and polar, with proline, which is neutral and non-polar, at codon 138 of the BBS5 protein (p.Arg138Pro).

Literature cited by the submitters: PubMed 24400638 (cited by Labcorp Genetics (formerly Invitae), Labcorp); PubMed 28041643 (cited by Labcorp Genetics (formerly Invitae), Labcorp).